The following is an entry in ClinVar:

NM_173689.7(CRB2):c.2453A>G (p.Asn818Ser)

Gene: CRB2 (crumbs cell polarity complex component 2; plus strand). Cytogenetic location: 9q33.3.
Variant type: single nucleotide variant.
Coding change: c.2453A>G on transcript NM_173689.7 (MANE Select); coding-DNA position 2453, A replaced by G.
Protein change: p.Asn818Ser; replaces asparagine 818 with serine.
Molecular consequence: missense variant. On other transcripts: non-coding transcript variant (1).
Genome position (GRCh38, 1-based): chr9:123,372,193, A>G. VCF-style: chr9-123372193-A-G. GRCh37 (hg19) VCF-style: chr9-126134472-A-G.
Other names: short protein forms N818S.
Identifiers: ClinVar variation 2723760 (VCV002723760.3), dbSNP rs778576951, ClinGen allele CA5232230.

ClinVar aggregate classification (germline): Uncertain significance (1 of 4 stars; one submission).

Allele frequency attached by ClinVar (database versions not stated): gnomAD exomes 0.00001; ExAC 0.00001; TOPMed 0.00001.
gnomAD v4.1: 15 of 1,614,014 alleles (0.00093%); highest among the groups gnomAD compares: Non-Finnish European, 0.0013%; no homozygotes.

Submission:

Labcorp Genetics (formerly Invitae), Labcorp
Classification: Uncertain significance. Last evaluated: 2025-10-22. Review status: criteria provided, single submitter. Criteria: Invitae Variant Classification Sherloc (09022015). Collection method: clinical testing. Allele origin: germline.
Comment: This sequence change replaces asparagine, which is neutral and polar, with serine, which is neutral and polar, at codon 818 of the CRB2 protein (p.Asn818Ser). This variant is present in population databases (rs778576951, gnomAD 0.002%). This variant has not been reported in the literature in individuals affected with CRB2-related conditions. ClinVar contains an entry for this variant (Variation ID: 2723760). Invitae Evidence Modeling of protein sequence and biophysical properties (such as structural, functional, and spatial information, amino acid conservation, physicochemical variation, residue mobility, and thermodynamic stability) indicates that this missense variant is expected to disrupt CRB2 protein function with a positive predictive value of 80%. In summary, the available evidence is currently insufficient to determine the role of this variant in disease. Therefore, it has been classified as a Variant of Uncertain Significance.